The following is an entry in ClinVar:

NC_000016.10:g.(?_3757268)_(3757396_?)del

Gene: CREBBP (CREB binding lysine acetyltransferase; minus strand). Cytogenetic location: 16p13.3.
Variant type: Deletion.
Identifiers: ClinVar variation 832459 (VCV000832459.2).

ClinVar aggregate classification (germline): Pathogenic (1 of 4 stars; one submission).

Conditions:
Rubinstein-Taybi syndrome (RSTS). Identifiers: Orphanet 783, MedGen C0035934, MONDO:0019188.

Submission:

Labcorp Genetics (formerly Invitae), Labcorp
Classification: Pathogenic for Rubinstein-Taybi syndrome. Last evaluated: 2019-12-08. Review status: criteria provided, single submitter. Criteria: Invitae Variant Classification Sherloc (09022015). Collection method: clinical testing. Allele origin: germline.
Comment: This variant is an out-of-frame deletion of the genomic region encompassing exon(s) 18 of the CREBBP gene. This is expected to create a premature translational stop signal and result in an absent or disrupted protein product. This variant has not been reported in the literature in individuals with CREBBP-related conditions. Loss-of-function variants in CREBBP are known to be pathogenic (PMID: 17052327, 18792986). For these reasons, this variant has been classified as Pathogenic.

Literature cited by the submitters: PubMed 17052327; PubMed 18792986.